The following is an entry in ClinVar:

ClinVar aggregate classification (germline): Uncertain significance (1 of 4 stars; one submission).

Allele frequency attached by ClinVar (database versions not stated): gnomAD exomes below 0.00001.
gnomAD v4.1: 1 of 1,613,936 alleles (0.000062%); highest among the groups gnomAD compares: Admixed American, 0.0017%; no homozygotes.

Submission:

Labcorp Genetics (formerly Invitae), Labcorp
Classification: Uncertain significance. Last evaluated: 2022-05-17. Review status: criteria provided, single submitter. Criteria: Invitae Variant Classification Sherloc (09022015). Collection method: clinical testing. Allele origin: germline.
Comment: In summary, the available evidence is currently insufficient to determine the role of this variant in disease. Therefore, it has been classified as a Variant of Uncertain Significance. Algorithms developed to predict the effect of missense changes on protein structure and function (SIFT, PolyPhen-2, Align-GVGD) all suggest that this variant is likely to be tolerated. This variant has not been reported in the literature in individuals affected with WHSC1-related conditions. This variant is not present in population databases (gnomAD no frequency). This sequence change replaces proline, which is neutral and non-polar, with leucine, which is neutral and non-polar, at codon 431 of the WHSC1 protein (p.Pro431Leu).

NM_001042424.3(NSD2):c.1292C>T (p.Pro431Leu)

Gene: NSD2 (nuclear receptor binding SET domain protein 2; plus strand). Cytogenetic location: 4p16.3.
Variant type: single nucleotide variant.
Coding change: c.1292C>T on transcript NM_001042424.3 (MANE Select); coding-DNA position 1292, C replaced by T.
Protein change: p.Pro431Leu; replaces proline 431 with leucine.
Molecular consequence: missense variant.
Genome position (GRCh38, 1-based): chr4:1,918,505, C>T. VCF-style: chr4-1918505-C-T. GRCh37 (hg19) VCF-style: chr4-1920232-C-T.
Other names: c.1292C>T, p.Pro431Leu (NM_007331.2, NM_133330.3, NM_133331.3 and 2 more transcripts); short protein forms P431L.
Identifiers: ClinVar variation 2050747 (VCV002050747.4), dbSNP rs767701479, ClinGen allele CA91311188.